The following is an entry in ClinVar:

NM_015268.4(DNAJC13):c.5684C>T (p.Thr1895Met)

Gene: DNAJC13 (DnaJ heat shock protein family (Hsp40) member C13; plus strand). Cytogenetic location: 3q22.1.
Variant type: single nucleotide variant.
Coding change: c.5684C>T on transcript NM_015268.4 (MANE Select); coding-DNA position 5684, C replaced by T.
Protein change: p.Thr1895Met; replaces threonine 1895 with methionine.
Molecular consequence: missense variant.
Genome position (GRCh38, 1-based): chr3:132,522,838, C>T. VCF-style: chr3-132522838-C-T. GRCh37 (hg19) VCF-style: chr3-132241682-C-T.
Other names: p.Thr1895Met; c.5699C>T, p.Thr1900Met (NM_001329126.2); short protein forms T1895M, T1900M.
Identifiers: ClinVar variation 1299275 (VCV001299275.18), dbSNP rs145242123, ClinGen allele CA2619929.

ClinVar aggregate classification (germline): Conflicting classifications of pathogenicity. Review status: criteria provided, conflicting classifications (1 of 4 stars). 7 submissions from 7 submitters: Uncertain significance (2); Likely benign (3). 2 of the submissions do not count toward it. Last evaluated 2026-07-01.

Allele frequency attached by ClinVar (database versions not stated): 1000 Genomes Project 0.00060; 1000 Genomes Project 30x 0.00094; ESP Exome Variant Server 0.00100; TOPMed 0.00124; gnomAD 0.00158 and 0.00166.

Submissions (7):

CeGaT Center for Human Genetics Tuebingen
Classification: Likely benign. Last evaluated: 2026-07-01. Review status: criteria provided, single submitter. Criteria: CeGaT Center For Human Genetics Tuebingen Variant Classification Criteria Version 2. Collection method: clinical testing. Allele origin: germline. Affected: yes. Observed: 2 variant alleles.
Comment: DNAJC13: BP4, BS1

Mayo Clinic Laboratories, Mayo Clinic
Classification: Likely benign. Last evaluated: 2025-06-27. Review status: criteria provided, single submitter. Criteria: ACMG Guidelines, 2015. Collection method: clinical testing. Allele origin: germline. Observed: 1 variant allele.
Comment: BS1, BS2, PP3

Blueprint Genetics
Classification: Likely benign. Last evaluated: 2024-11-14. Review status: criteria provided, single submitter. Criteria: ACMG Guidelines, 2015. Collection method: clinical testing. Allele origin: germline.

Mendelics
Classification: Uncertain significance. Last evaluated: 2022-05-04. Review status: criteria provided, single submitter. Criteria: Mendelics Assertion Criteria 2019. Collection method: clinical testing. Allele origin: germline.

Breakthrough Genomics
Classification: Uncertain significance. Review status: criteria provided, single submitter. Criteria: ACMG Guidelines, 2015. Collection method: not provided. Allele origin: germline. Inheritance: Unknown mechanism. Affected: yes.

Clinical Genetics DNA and cytogenetics Diagnostics Lab, Erasmus MC, Erasmus Medical Center
Classification: Likely benign. Review status: no assertion criteria provided. Collection method: clinical testing. Allele origin: germline. Affected: yes. Study: VKGL Data-share Consensus. Not counted in ClinVar's aggregate classification.

Diagnostic Laboratory, Department of Genetics, University Medical Center Groningen
Classification: Likely benign. Review status: no assertion criteria provided. Collection method: clinical testing. Allele origin: germline. Affected: yes. Study: VKGL Data-share Consensus. Not counted in ClinVar's aggregate classification.

Literature cited by the submitters: PubMed 25393719 (cited by Mayo Clinic Laboratories, Mayo Clinic); PubMed 25466404 (cited by Mayo Clinic Laboratories, Mayo Clinic); PubMed 27236598 (cited by Mayo Clinic Laboratories, Mayo Clinic); PubMed 29367843 (cited by Mayo Clinic Laboratories, Mayo Clinic); PubMed 31120186 (cited by Mayo Clinic Laboratories, Mayo Clinic).